The following is an entry in ClinVar:

NM_021096.4(CACNA1I):c.745G>A (p.Gly249Arg)

Gene: CACNA1I (calcium voltage-gated channel subunit alpha1 I; plus strand). Cytogenetic location: 22q13.1.
Variant type: single nucleotide variant.
Coding change: c.745G>A on transcript NM_021096.4 (MANE Select); coding-DNA position 745, G replaced by A.
Protein change: p.Gly249Arg; replaces glycine 249 with arginine.
Molecular consequence: missense variant.
Genome position (GRCh38, 1-based): chr22:39,640,871, G>A. VCF-style: chr22-39640871-G-A. GRCh37 (hg19) VCF-style: chr22-40036876-G-A.
Other names: c.745G>A, p.Gly249Arg (NM_001003406.2); short protein forms G249R.
Identifiers: ClinVar variation 4985806 (VCV004985806.1).

ClinVar aggregate classification (germline): Uncertain significance (1 of 4 stars; one submission).

Conditions:
CACNA1I-related disorder. Also called: CACNA1I-related condition.

gnomAD v4.1: 2 of 1,611,606 alleles (0.00012%); highest among the groups gnomAD compares: Admixed American, 0.0017%; no homozygotes.

Submission:

PreventionGenetics, part of Exact Sciences
Classification: Uncertain significance for CACNA1I-related condition. Last evaluated: 2025-09-08. Review status: criteria provided, single submitter. Criteria: ACMG Guidelines, 2015. Collection method: clinical testing. Allele origin: germline.
Comment: The CACNA1I c.745G>A variant is predicted to result in the amino acid substitution p.Gly249Arg. To our knowledge, this variant has not been reported in the literature or in a large population database (gnomAD), indicating this variant is rare. At this time, the clinical significance of this variant is uncertain due to the absence of conclusive functional and genetic evidence.